The following continues an entry in ClinVar:

NM_025216.3(WNT10A):c.511C>T (p.Arg171Cys)

Gene: WNT10A. ClinVar aggregate classification (germline): Conflicting classifications of pathogenicity. Pathogenic (1); Likely pathogenic (3); Uncertain significance (6); Benign (3); Likely benign (1).

Submissions 13 to 19 of 19:

Juno Genomics, Hangzhou Juno Genomics, Inc
Classification: Uncertain significance for Odonto-onycho-dermal dysplasia; Schöpf-Schulz-Passarge syndrome; Tooth agenesis, selective, 4. Review status: criteria provided, single submitter. Criteria: ACMG Guidelines, 2015. Collection method: clinical testing. Allele origin: germline.
Comment: Observed in a healthy adult individual for a recessive/dominant/X-linked disorder with full penetrance.;Multiple lines of computational evidence support a deleterious effect on the gene or gene product.;The prevalence of the variant in affected individuals is significantly increased compared to the prevalence in controls.;For recessive disorders, detected in trans with a pathogenic variant.

Stomatology Center, Xiangya Hospital, Central South University
Classification: Pathogenic for Tooth agenesis, selective, 2. Review status: criteria provided, single submitter. Criteria: ACMG Guidelines, 2015. Collection method: research. Allele origin: unknown. Inheritance: Autosomal dominant inheritance. Affected: yes. Observed: 1 heterozygote.
Comment: We used whole exome sequencing to compare tooth loss gene loci between two brothers with hypophidrotic ectodermal dysplasia (HED), analyze the difference of tooth loss phenotype, and explore its mechanism. Prediction of secondary and tertiary structures of the WNT10A variants (p. R171C, p.G213S) indicated the impaired function of the molecule. The elder brothers have a more severe tooth loss phenotype than younger brothers. It has been reported that eda c.878T>G mutation caused HED (PMID: 30526585).

Clinical Genetics DNA and cytogenetics Diagnostics Lab, Erasmus MC, Erasmus Medical Center
Classification: Uncertain significance. Review status: no assertion criteria provided. Collection method: clinical testing. Allele origin: germline. Affected: yes. Study: VKGL Data-share Consensus. Not counted in ClinVar's aggregate classification.

Department of Second Dental Center, Ninth People’s Hospital, Shanghai Jiao Tong University School of Medicine
Classification: Uncertain significance for Tooth agenesis, selective, 4. Review status: no assertion criteria provided. Collection method: clinical testing. Allele origin: germline. Affected: yes. Not counted in ClinVar's aggregate classification.

Diagnostic Laboratory, Department of Genetics, University Medical Center Groningen
Classification: Uncertain significance. Review status: no assertion criteria provided. Collection method: clinical testing. Allele origin: germline. Affected: yes. Study: VKGL Data-share Consensus. Not counted in ClinVar's aggregate classification.

Genome Diagnostics Laboratory, University Medical Center Utrecht
Classification: Uncertain significance. Review status: no assertion criteria provided. Collection method: clinical testing. Allele origin: germline. Affected: yes. Study: VKGL Data-share Consensus. Not counted in ClinVar's aggregate classification.

Joint Genome Diagnostic Labs from Nijmegen and Maastricht, Radboudumc and MUMC+
Classification: Uncertain significance. Review status: no assertion criteria provided. Collection method: clinical testing. Allele origin: germline. Affected: yes. Study: VKGL Data-share Consensus. Not counted in ClinVar's aggregate classification.

Literature cited by the submitters: PubMed 30417976 (cited by OLLIN Analises Genomicas, OLLIN); PubMed 24043634 (cited by OLLIN Analises Genomicas, OLLIN and Soonchunhyang University Bucheon Hospital, Soonchunhyang University Medical Center); PubMed 33329022 (cited by OLLIN Analises Genomicas, OLLIN); PubMed 24312213 (cited by 3billion and Soonchunhyang University Bucheon Hospital, Soonchunhyang University Medical Center); PubMed 30526585 (cited by Stomatology Center, Xiangya Hospital, Central South University); PubMed 36071541 (cited by Department of Second Dental Center, Ninth People’s Hospital, Shanghai Jiao Tong University School of Medicine).